The following is an entry in ClinVar:

NM_178857.6(RP1L1):c.1387G>A (p.Glu463Lys)

Gene: RP1L1 (RP1 like 1). Cytogenetic location: 8p23.1.
Variant type: single nucleotide variant.
Coding change: c.1387G>A on transcript NM_178857.6 (MANE Select); coding-DNA position 1387, G replaced by A.
Protein change: p.Glu463Lys; replaces glutamic acid 463 with lysine.
Molecular consequence: missense variant.
Genome position (GRCh38, 1-based): chr8:10,612,711, C>T on the plus strand (G>A on the coding strand, the complement: RP1L1 is on the minus strand). VCF-style: chr8-10612711-C-T. GRCh37 (hg19) VCF-style: chr8-10470221-C-T.
Other names: c.1387G>A (NM_178857.5); short protein forms E463K.
Identifiers: ClinVar variation 2658395 (VCV002658395.25), dbSNP rs771041636, ClinGen allele CA4625194.

ClinVar aggregate classification (germline): Conflicting classifications of pathogenicity. Review status: criteria provided, conflicting classifications (1 of 4 stars). 2 submissions from 2 submitters: Uncertain significance (1); Likely benign (1). Last evaluated 2024-11-21.

Conditions:
Inborn genetic diseases. Identifiers: MedGen C0950123, MeSH D030342.

Allele frequency attached by ClinVar (database versions not stated): ExAC 0.00002.
gnomAD v4.1: 28 of 1,604,668 alleles (0.0017%); highest among the groups gnomAD compares: African/African-American, 0.008%; no homozygotes.

Submissions (2):

Ambry Genetics
Classification: Uncertain significance for Inborn genetic diseases. Last evaluated: 2024-11-21. Review status: criteria provided, single submitter. Criteria: Ambry Variant Classification Scheme 2023. Collection method: clinical testing. Allele origin: germline.

CeGaT Center for Human Genetics Tuebingen
Classification: Likely benign. Last evaluated: 2022-10-01. Review status: criteria provided, single submitter. Criteria: CeGaT Center For Human Genetics Tuebingen Variant Classification Criteria Version 2. Collection method: clinical testing. Allele origin: germline. Affected: yes. Observed: 1 variant allele.
Comment: RP1L1: BP4